The following is an entry in ClinVar:

ClinVar aggregate classification (germline): Benign/Likely benign. Review status: criteria provided, multiple submitters, no conflicts (2 of 4 stars). 3 submissions from 3 submitters: Benign (1); Likely benign (1). 1 of the submissions does not count toward it. Last evaluated 2026-01-26.

Conditions:
CNGA3-related disorder. Also called: CNGA3-related condition.

Allele frequency attached by ClinVar (database versions not stated): gnomAD exomes 0.00012 and 0.00024; ExAC 0.00030; ESP Exome Variant Server 0.00062; TOPMed 0.00111; gnomAD 0.00113 and 0.00119; 1000 Genomes Project 30x 0.00125; 1000 Genomes Project 0.00140.
gnomAD v4.1: 342 of 1,614,206 alleles (0.021%); highest among the groups gnomAD compares: African/African-American, 0.41%; 1 homozygote.

Submissions (3):

Labcorp Genetics (formerly Invitae), Labcorp
Classification: Likely benign. Last evaluated: 2026-01-26. Review status: criteria provided, single submitter. Criteria: Invitae Variant Classification Sherloc (09022015). Collection method: clinical testing. Allele origin: germline.

Blueprint Genetics
Classification: Benign. Last evaluated: 2023-09-13. Review status: criteria provided, single submitter. Criteria: ACMG Guidelines, 2015. Collection method: clinical testing. Allele origin: germline.

PreventionGenetics, part of Exact Sciences
Classification: Likely benign for CNGA3-related condition. Last evaluated: 2024-02-12. Review status: no assertion criteria provided. Collection method: clinical testing. Allele origin: germline. Not counted in ClinVar's aggregate classification.
Comment: This variant is classified as likely benign based on ACMG/AMP sequence variant interpretation guidelines (Richards et al. 2015 PMID: 25741868, with internal and published modifications).

NM_001298.3(CNGA3):c.1627G>A (p.Asp543Asn)

Gene: CNGA3 (cyclic nucleotide gated channel subunit alpha 3; plus strand). Cytogenetic location: 2q11.2.
Variant type: single nucleotide variant.
Coding change: c.1627G>A on transcript NM_001298.3 (MANE Select); coding-DNA position 1627, G replaced by A.
Protein change: p.Asp543Asn; replaces aspartic acid 543 with asparagine.
Molecular consequence: missense variant.
Genome position (GRCh38, 1-based): chr2:98,396,797, G>A. VCF-style: chr2-98396797-G-A. GRCh37 (hg19) VCF-style: chr2-99013260-G-A.
Other names: c.1573G>A, p.Asp525Asn (NM_001079878.2); short protein forms D525N, D543N.
Identifiers: ClinVar variation 731164 (VCV000731164.13), dbSNP rs150759499, ClinGen allele CA1794055.